The following is an entry in ClinVar:

ClinVar aggregate classification (germline): Benign. Review status: criteria provided, multiple submitters, no conflicts (2 of 4 stars). 2 submissions from 2 submitters: Benign (2). Last evaluated 2018-01-12.

Conditions:
Pseudohypoaldosteronism type 2E (PHA2E). Also called: Pseudohypoaldosteronism Type IIE. Identifiers: Orphanet 300530, Orphanet 757, MedGen C3469606, MONDO:0013782, OMIM 614496.

Allele frequency attached by ClinVar (database versions not stated): gnomAD 0.08321 and 0.09017; TOPMed 0.09382; gnomAD exomes 0.12557; 1000 Genomes Project 30x 0.13695; 1000 Genomes Project 0.13958.
gnomAD v4.1: 18,935 of 194,346 alleles (9.7%); highest among the groups gnomAD compares: East Asian, 28%; 1,318 homozygotes.

Submissions (2):

Illumina Laboratory Services, Illumina
Classification: Benign for Pseudohypoaldosteronism type 2E. Last evaluated: 2018-01-12. Review status: criteria provided, single submitter. Criteria: ICSL Variant Classification Criteria 13 December 2019. Collection method: clinical testing. Allele origin: germline.
Comment: This variant was observed in the ICSL laboratory as part of a predisposition screen in an ostensibly healthy population. It had not been previously curated by ICSL or reported in the Human Gene Mutation Database (HGMD: prior to June 1st, 2018), and was therefore a candidate for classification through an automated scoring system. Utilizing variant allele frequency, disease prevalence and penetrance estimates, and inheritance mode, an automated score was calculated to assess if this variant is too frequent to cause the disease. Based on the score and internal cut-off values, a variant classified as benign is not then subjected to further curation. The score for this variant resulted in a classification of benign for this disease.

Breakthrough Genomics
Classification: Benign. Review status: criteria provided, single submitter. Criteria: ACMG Guidelines, 2015. Collection method: not provided. Allele origin: germline. Inheritance: Autosomal dominant inheritance. Affected: yes.

NM_003590.5(CUL3):c.*1774G>T

Gene: CUL3 (cullin 3; minus strand). Cytogenetic location: 2q36.2.
Variant type: single nucleotide variant.
Coding change: c.*1774G>T on transcript NM_003590.5 (MANE Select); 1774 bases downstream of the stop codon, G replaced by T.
Molecular consequence: 3 prime UTR variant.
Genome position (GRCh38, 1-based): chr2:224,472,471, C>A on the plus strand (G>T on the coding strand, the complement: CUL3 is on the minus strand). VCF-style: chr2-224472471-C-A. GRCh37 (hg19) VCF-style: chr2-225337188-C-A.
Other names: c.*1774G>T (NM_001257197.2, NM_001257198.2).
Identifiers: ClinVar variation 334610 (VCV000334610.7), dbSNP rs13016316, ClinGen allele CA10612931.